The following is an entry in ClinVar:

NM_021072.4(HCN1):c.122C>T (p.Thr41Ile)

Gene: HCN1 (hyperpolarization activated cyclic nucleotide gated potassium channel 1; minus strand). Cytogenetic location: 5p12.
Variant type: single nucleotide variant.
Coding change: c.122C>T on transcript NM_021072.4 (MANE Select); coding-DNA position 122, C replaced by T.
Protein change: p.Thr41Ile; replaces threonine 41 with isoleucine.
Molecular consequence: missense variant.
Genome position (GRCh38, 1-based): chr5:45,695,972, G>A on the plus strand (C>T on the coding strand, the complement: HCN1 is on the minus strand). VCF-style: chr5-45695972-G-A. GRCh37 (hg19) VCF-style: chr5-45696074-G-A.
Other names: short protein forms T41I.
Identifiers: ClinVar variation 3897364 (VCV003897364.1).

ClinVar aggregate classification (germline): Uncertain significance (1 of 4 stars; one submission).

Submission:

GeneDx
Classification: Uncertain significance. Last evaluated: 2024-11-05. Review status: criteria provided, single submitter. Criteria: GeneDx Variant Classification Process June 2021. Collection method: clinical testing. Allele origin: germline. Affected: yes.
Comment: Not observed at significant frequency in large population cohorts (gnomAD); In silico analysis indicates that this missense variant does not alter protein structure/function; Has not been previously published as pathogenic or benign to our knowledge